The following is an entry in ClinVar:

NM_000368.5(TSC1):c.2618C>T (p.Thr873Ile)

Gene: TSC1 (TSC complex subunit 1; minus strand). Cytogenetic location: 9q34.13.
Variant type: single nucleotide variant.
Coding change: c.2618C>T on transcript NM_000368.5 (MANE Select); coding-DNA position 2618, C replaced by T.
Protein change: p.Thr873Ile; replaces threonine 873 with isoleucine.
Molecular consequence: missense variant. On other transcripts: non-coding transcript variant (5).
Genome position (GRCh38, 1-based): chr9:132,900,722, G>A on the plus strand (C>T on the coding strand, the complement: TSC1 is on the minus strand). VCF-style: chr9-132900722-G-A. GRCh37 (hg19) VCF-style: chr9-135776109-G-A.
Other names: c.2615C>T, p.Thr872Ile (NM_001162426.2, NM_001406597.1, NM_001406598.1 and 2 more transcripts); c.2465C>T, p.Thr822Ile (NM_001162427.2, NM_001406610.1); c.2255C>T, p.Thr752Ile (NM_001362177.2, NM_001406614.1, NM_001406615.1 and 4 more transcripts); c.2618C>T, p.Thr873Ile (NM_001406592.1, NM_001406593.1, NM_001406594.1 and 2 more transcripts); c.2573C>T, p.Thr858Ile (NM_001406608.1, NM_001406609.1); c.2462C>T, p.Thr821Ile (NM_001406611.1, NM_001406612.1); c.2420C>T, p.Thr807Ile (NM_001406613.1); c.1664C>T, p.Thr555Ile (NM_001406627.1, NM_001406628.1); and 8 more; short protein forms T738I, T822I, T858I, T737I, T752I, T807I, T867I, T556I.
Identifiers: ClinVar variation 2806132 (VCV002806132.4), dbSNP rs2538547467, ClinGen allele CA375369842.
Genomic context (GRCh38, chr9:132,900,722, plus strand): 5'-CTGGGTCTGAAACGCTTTCCCCACTAAGGTCTGGCTCCCGAGCCCTGGCATACCTTTGTG[G>A]TATCTGAGTGCTTGTTCTGCAGTTGTTCCAAATAGAGCTCGTTGACCTCCCCAAGAACCA-3'
Protein context (NP_000359.1, residues 863-883): LEQLQNKHSD[Thr873Ile]TKEVEMMKAA

ClinVar aggregate classification (germline): Uncertain significance. Review status: criteria provided, multiple submitters, no conflicts (2 of 4 stars). 2 submissions from 2 submitters: Uncertain significance (2). Last evaluated 2025-04-25.

Conditions:
Tuberous sclerosis 1 (TSC1). Identifiers: Orphanet 805, MedGen C1854465, MONDO:0008612, OMIM 191100.
Hereditary cancer-predisposing syndrome. Also called: Hereditary Cancer Syndrome; Hereditary neoplastic syndrome; Neoplastic Syndromes, Hereditary; Tumor predisposition. Identifiers: Orphanet 140162, MedGen C0027672, MeSH D009386, MONDO:0015356.

Submissions (2):

Ambry Genetics
Classification: Uncertain significance for Hereditary cancer-predisposing syndrome. Last evaluated: 2025-04-25. Review status: criteria provided, single submitter. Criteria: Ambry Variant Classification Scheme 2023. Collection method: clinical testing. Allele origin: germline.
Comment: The p.T873I variant (also known as c.2618C>T), located in coding exon 18 of the TSC1 gene, results from a C to T substitution at nucleotide position 2618. The threonine at codon 873 is replaced by isoleucine, an amino acid with similar properties. This amino acid position is conserved. In addition, the in silico prediction for this alteration is inconclusive. Based on the available evidence, the clinical significance of this variant remains unclear.

Labcorp Genetics (formerly Invitae), Labcorp
Classification: Uncertain significance for Tuberous sclerosis 1. Last evaluated: 2023-08-16. Review status: criteria provided, single submitter. Criteria: Invitae Variant Classification Sherloc (09022015). Collection method: clinical testing. Allele origin: germline.
Comment: This variant is not present in population databases (gnomAD no frequency). In summary, the available evidence is currently insufficient to determine the role of this variant in disease. Therefore, it has been classified as a Variant of Uncertain Significance. Advanced modeling of protein sequence and biophysical properties (such as structural, functional, and spatial information, amino acid conservation, physicochemical variation, residue mobility, and thermodynamic stability) performed at Invitae indicates that this missense variant is not expected to disrupt TSC1 protein function. This variant has not been reported in the literature in individuals affected with TSC1-related conditions. This sequence change replaces threonine, which is neutral and polar, with isoleucine, which is neutral and non-polar, at codon 873 of the TSC1 protein (p.Thr873Ile).